The following is an entry in ClinVar:

ClinVar aggregate classification (germline): Pathogenic/Likely pathogenic. Review status: criteria provided, multiple submitters, no conflicts (2 of 4 stars). 10 submissions from 10 submitters: Pathogenic (6); Likely pathogenic (4). Last evaluated 2025-09-03.

Conditions:
Familial cancer of breast. Also called: Hereditary breast cancer; BREAST CANCER, FAMILIAL; hereditary breast carcinoma. Identifiers: Orphanet 227535, MedGen C0346153, MONDO:0016419, OMIM 114480. Disease mechanism: loss of function.
Ataxia-telangiectasia syndrome (AT). Also called: Ataxia-telangiectasia; Cerebello-oculocutaneous telangiectasia; Immunodeficiency with ataxia telangiectasia; ATAXIA-TELANGIECTASIA, COMPLEMENTATION GROUP A; ATAXIA-TELANGIECTASIA, FRESNO VARIANT; Ataxia-telangiectasia, complementation group D. Identifiers: Orphanet 100, MedGen C0004135, MONDO:0008840, OMIM 208900.
Hereditary cancer-predisposing syndrome. Also called: Tumor predisposition; Neoplastic Syndromes, Hereditary; Hereditary Cancer Syndrome; Hereditary neoplastic syndrome. Identifiers: Orphanet 140162, MedGen C0027672, MeSH D009386, MONDO:0015356.

Submissions (10):

Labcorp Genetics (formerly Invitae), Labcorp
Classification: Pathogenic for Ataxia-telangiectasia syndrome. Last evaluated: 2025-09-03. Review status: criteria provided, single submitter. Criteria: Invitae Variant Classification Sherloc (09022015). Collection method: clinical testing. Allele origin: germline.
Comment: This sequence change creates a premature translational stop signal (p.Asn1554Thrfs*9) in the ATM gene. It is expected to result in an absent or disrupted protein product. Loss-of-function variants in ATM are known to be pathogenic (PMID: 23807571, 25614872). This variant is not present in population databases (gnomAD no frequency). This variant has not been reported in the literature in individuals affected with ATM-related conditions. ClinVar contains an entry for this variant (Variation ID: 418723). RNA analysis performed to evaluate the impact of this premature translational stop signal on mRNA splicing indicates it does not significantly alter splicing (internal data). For these reasons, this variant has been classified as Pathogenic.

Institute of Human Genetics, FAU Erlangen, Friedrich-Alexander-Universität Erlangen-Nürnberg
Classification: Pathogenic. Last evaluated: 2025-08-21. Review status: criteria provided, single submitter. Criteria: Hauer et al. (Genet Med. 2018). Collection method: clinical testing. Allele origin: germline. Inheritance: Unknown mechanism. Affected: yes. Observed: 1 variant allele.
Comment: This variant has been identified by standard clinical testing.

GeneDx
Classification: Pathogenic. Last evaluated: 2025-05-20. Review status: criteria provided, single submitter. Criteria: GeneDx Variant Classification Process June 2021. Collection method: clinical testing. Allele origin: germline. Affected: yes.
Comment: Frameshift variant predicted to result in protein truncation or nonsense mediated decay in a gene for which loss of function is a known mechanism of disease; Not observed at significant frequency in large population cohorts (gnomAD); Truncating variants in this gene are considered pathogenic by a well-established clinical consortium and/or database; Has not been previously published as pathogenic or benign to our knowledge

Natera, Inc.
Classification: Likely pathogenic for Ataxia-telangiectasia. Last evaluated: 2025-01-28. Review status: criteria provided, single submitter. Criteria: Natera Variant Classification Schema (03/2026). Collection method: clinical testing. Allele origin: germline.
Comment: The c.4661del variant in ATM is a frameshift variant predicted to shift the reading frame beginning at codon 1554 and leads to a stop codon 9 codons downstream. This variant is expected to result in nonsense mediated decay, truncation, or a dysfunctional protein product. This variant is rare in the general population with a frequency below the threshold expected for the associated phenotype(s). Given the available evidence, this variant is classified as Likely Pathogenic.

Quest Diagnostics Nichols Institute San Juan Capistrano
Classification: Likely pathogenic. Last evaluated: 2025-01-21. Review status: criteria provided, single submitter. Criteria: Quest Diagnostics criteria. Collection method: clinical testing. Allele origin: unknown.
Comment: The ATM c.4661del (p.Asn1554Thrfs*9) variant alters the translational reading frame of the ATM mRNA and is predicted to cause the premature termination of ATM protein synthesis. This variant has not been reported in individuals with ATM-related conditions in the published literature. This variant has not been reported in large, multi-ethnic general populations (Genome Aggregation Database). Based on the available information, this variant is classified as likely pathogenic.

Ambry Genetics
Classification: Pathogenic for Hereditary cancer-predisposing syndrome. Last evaluated: 2024-09-06. Review status: criteria provided, single submitter. Criteria: Ambry Variant Classification Scheme 2023. Collection method: clinical testing. Allele origin: germline.
Comment: The c.4661delA pathogenic mutation, located in coding exon 30 of the ATM gene, results from a deletion of one nucleotide at nucleotide position 4661, causing a translational frameshift with a predicted alternate stop codon (p.N1554Tfs*9). This variant is considered to be rare based on population cohorts in the Genome Aggregation Database (gnomAD). This alteration is expected to result in loss of function by premature protein truncation or nonsense-mediated mRNA decay. As such, this alteration is interpreted as a disease-causing mutation.

Fulgent Genetics
Classification: Likely pathogenic for Familial cancer of breast; Ataxia-telangiectasia syndrome. Last evaluated: 2024-02-02. Review status: criteria provided, single submitter. Criteria: ACMG Guidelines, 2015. Collection method: clinical testing. Allele origin: germline.

Myriad Genetics, Inc.
Classification: Pathogenic for Familial cancer of breast. Last evaluated: 2024-01-24. Review status: criteria provided, single submitter. Criteria: Myriad Autosomal Dominant, Autosomal Recessive and X-Linked Classification Criteria (2023). Collection method: clinical testing. Allele origin: unknown.
Comment: This variant is considered pathogenic. This variant creates a frameshift predicted to result in premature protein truncation.

Baylor Genetics
Classification: Likely pathogenic for Familial cancer of breast. Last evaluated: 2023-07-04. Review status: criteria provided, single submitter. Criteria: ACMG Guidelines, 2015. Collection method: clinical testing. Allele origin: unknown.

Color Diagnostics, LLC DBA Color Health
Classification: Pathogenic for Hereditary cancer-predisposing syndrome. Last evaluated: 2020-06-23. Review status: criteria provided, single submitter. Criteria: ACMG Guidelines, 2015. Collection method: clinical testing. Allele origin: germline.
Comment: This variant deletes 1 nucleotide in exon 31 of the ATM gene, creating a frameshift and premature translation stop signal. This variant is expected to result in an absent or non-functional protein product. To our knowledge, this variant has not been reported in individuals affected with hereditary cancer in the literature. This variant has not been identified in the general population by the Genome Aggregation Database (gnomAD). Loss of ATM function is a known mechanism of disease. Based on the available evidence, this variant is classified as Pathogenic.

Literature cited by the submitters: PubMed 23807571 (cited by Labcorp Genetics (formerly Invitae), Labcorp); PubMed 25614872 (cited by Labcorp Genetics (formerly Invitae), Labcorp).

NM_000051.4(ATM):c.4661del (p.Asn1554fs)

Gene: ATM (ATM serine/threonine kinase; plus strand). Cytogenetic location: 11q22.3.
Variant type: Deletion.
Coding change: c.4661del on transcript NM_000051.4 (MANE Select); coding-DNA position 4661, one base deleted (A; older notation c.4661delA).
Protein change: p.Asn1554fs; shifts the reading frame from asparagine 1554.
Molecular consequence: frameshift variant.
Genome position (GRCh38, 1-based): chr11:108,293,362, A deleted; the last of 4 consecutive A bases (chr11:108,293,359-108,293,362); deleting any one gives the same sequence. VCF-style (leftmost placement, unchanged base first): chr11-108293358-GA-G. GRCh37 (hg19) VCF-style: chr11-108164085-GA-G.
Other names: c.4661delA (NM_000051.3); c.4661del, p.Asn1554fs (NM_001351834.2); short protein forms N1554fs.
Identifiers: ClinVar variation 418723 (VCV000418723.20), dbSNP rs1064793390, ClinGen allele CA16619188.
Genomic context (GRCh38, chr11:108,293,358, plus strand): 5'-TTAAATTATATTTAGGTATTGGACTTGTTGAAATACTTAGTGATAGATAACAAGGATAAT[GA>G]AAACCTCTATATCACGATTAAGCTTTTAGATCCTTTTCCTGACCATGTTGTTTTTAAGGA-3'